The following is an entry in ClinVar:

NM_014254.3(RXYLT1):c.250A>G (p.Ser84Gly)

Gene: RXYLT1 (ribitol xylosyltransferase 1; plus strand). Cytogenetic location: 12q14.2.
Variant type: single nucleotide variant.
Coding change: c.250A>G on transcript NM_014254.3 (MANE Select); coding-DNA position 250, A replaced by G.
Protein change: p.Ser84Gly; replaces serine 84 with glycine.
Molecular consequence: missense variant. On other transcripts: 5 prime UTR variant (1).
Genome position (GRCh38, 1-based): chr12:63,781,099, A>G. VCF-style: chr12-63781099-A-G. GRCh37 (hg19) VCF-style: chr12-64174879-A-G.
Other names: c.-531A>G (NM_001278237.2); c.250A>G (NM_014254.1); short protein forms S84G.
Identifiers: ClinVar variation 218705 (VCV000218705.11), dbSNP rs745327804, ClinGen allele CA249316.

ClinVar aggregate classification (germline): Conflicting classifications of pathogenicity. Review status: criteria provided, conflicting classifications (1 of 4 stars). 5 submissions from 5 submitters: Uncertain significance (4); Likely benign (1). Last evaluated 2022-03-09.

Conditions:
Inborn genetic diseases. Identifiers: MedGen C0950123, MeSH D030342.

Allele frequency attached by ClinVar (database versions not stated): gnomAD 0.00001 and 0.00002; ExAC 0.00002; gnomAD exomes 0.00002 and 0.00004; TOPMed 0.00003.
gnomAD v4.1: 27 of 1,610,210 alleles (0.0017%); highest among the groups gnomAD compares: Middle Eastern, 0.066%; no homozygotes.

Submissions (5):

Labcorp Genetics (formerly Invitae), Labcorp
Classification: Uncertain significance. Last evaluated: 2022-03-09. Review status: criteria provided, single submitter. Criteria: Invitae Variant Classification Sherloc (09022015). Collection method: clinical testing. Allele origin: germline.
Comment: This sequence change replaces serine, which is neutral and polar, with glycine, which is neutral and non-polar, at codon 84 of the RXYLT1 protein (p.Ser84Gly). This variant is present in population databases (rs745327804, gnomAD 0.01%). This variant has not been reported in the literature in individuals affected with RXYLT1-related conditions. ClinVar contains an entry for this variant (Variation ID: 218705). Algorithms developed to predict the effect of missense changes on protein structure and function output the following: SIFT: "Tolerated"; PolyPhen-2: "Benign"; Align-GVGD: "Class C0". The glycine amino acid residue is found in multiple mammalian species, which suggests that this missense change does not adversely affect protein function. In summary, the available evidence is currently insufficient to determine the role of this variant in disease. Therefore, it has been classified as a Variant of Uncertain Significance.

Ambry Genetics
Classification: Uncertain significance for Inborn genetic diseases. Last evaluated: 2021-01-08. Review status: criteria provided, single submitter. Criteria: Ambry Variant Classification Scheme 2023. Collection method: clinical testing. Allele origin: germline.
Comment: The c.250A>G (p.S84G) alteration is located in exon 2 (coding exon 2) of the TMEM5 gene. This alteration results from a A to G substitution at nucleotide position 250, causing the serine (S) at amino acid position 84 to be replaced by a glycine (G). The p.S84G alteration is predicted to be tolerated by in silico analysis. Based on insufficient or conflicting evidence, the clinical significance of this alteration remains unclear.

GeneDx
Classification: Uncertain significance. Last evaluated: 2021-01-04. Review status: criteria provided, single submitter. Criteria: GeneDx Variant Classification Process June 2021. Collection method: clinical testing. Allele origin: germline. Affected: yes.
Comment: Not observed at a significant frequency in large population cohorts (Lek et al., 2016); In silico analysis supports that this missense variant does not alter protein structure/function; Has not been previously published as pathogenic or benign to our knowledge

Genomic Diagnostic Laboratory, Division of Genomic Diagnostics, Children's Hospital of Philadelphia
Classification: Uncertain significance. Last evaluated: 2015-02-19. Review status: criteria provided, single submitter. Criteria: DGD Variant Analysis Guidelines. Collection method: clinical testing. Allele origin: unknown.

PreventionGenetics, part of Exact Sciences
Classification: Likely benign. Review status: criteria provided, single submitter. Criteria: ACMG Guidelines, 2015. Collection method: clinical testing. Allele origin: germline.